The following is an entry in ClinVar:

NM_017866.6(TMEM70):c.68T>G (p.Leu23Trp)

Gene: TMEM70 (transmembrane protein 70; plus strand). Cytogenetic location: 8q21.11.
Variant type: single nucleotide variant.
Coding change: c.68T>G on transcript NM_017866.6 (MANE Select); coding-DNA position 68, T replaced by G.
Protein change: p.Leu23Trp; replaces leucine 23 with tryptophan.
Molecular consequence: missense variant. On other transcripts: non-coding transcript variant (1).
Genome position (GRCh38, 1-based): chr8:73,976,349, T>G. VCF-style: chr8-73976349-T-G. GRCh37 (hg19) VCF-style: chr8-74888584-T-G.
Other names: c.68T>G, p.Leu23Trp (NM_001040613.3); short protein forms L23W.
Identifiers: ClinVar variation 1467583 (VCV001467583.6), dbSNP rs1378455412, ClinGen allele CA371489203.

ClinVar aggregate classification (germline): Uncertain significance (1 of 4 stars; one submission).

Conditions:
Mitochondrial complex V (ATP synthase) deficiency, nuclear type 2. Also called: Nuclear-Encoded ATPase Deficiency, TMEM70-Related; ENCEPHALOCARDIOMYOPATHY, MITOCHONDRIAL, NEONATAL, DUE TO ATP SYNTHASE DEFICIENCY; MITOCHONDRIAL COMPLEX V (ATP SYNTHASE) DEFICIENCY, TMEM70 TYPE. Identifiers: Orphanet 1194, MedGen C3279699, MONDO:0013546, OMIM 614052.

Allele frequency attached by ClinVar (database versions not stated): gnomAD exomes below 0.00001.
gnomAD v4.1: 1 of 1,599,930 alleles (0.000063%); highest among the groups gnomAD compares: South Asian, 0.0011%; no homozygotes.

Submission:

Labcorp Genetics (formerly Invitae), Labcorp
Classification: Uncertain significance for Mitochondrial complex V (ATP synthase) deficiency, nuclear type 2. Last evaluated: 2022-09-06. Review status: criteria provided, single submitter. Criteria: Invitae Variant Classification Sherloc (09022015). Collection method: clinical testing. Allele origin: germline.
Comment: In summary, the available evidence is currently insufficient to determine the role of this variant in disease. Therefore, it has been classified as a Variant of Uncertain Significance. Algorithms developed to predict the effect of missense changes on protein structure and function output the following: SIFT: "Tolerated"; PolyPhen-2: "Benign"; Align-GVGD: "Class C0". The tryptophan amino acid residue is found in multiple mammalian species, which suggests that this missense change does not adversely affect protein function. ClinVar contains an entry for this variant (Variation ID: 1467583). This variant has not been reported in the literature in individuals affected with TMEM70-related conditions. This variant is present in population databases (no rsID available, gnomAD 0.003%). This sequence change replaces leucine, which is neutral and non-polar, with tryptophan, which is neutral and slightly polar, at codon 23 of the TMEM70 protein (p.Leu23Trp).